The following is an entry in ClinVar:

ClinVar aggregate classification (germline): Uncertain significance. Review status: criteria provided, multiple submitters, no conflicts (2 of 4 stars). 2 submissions from 2 submitters: Uncertain significance (2). Last evaluated 2024-08-19.

Conditions:
Noonan syndrome (NS). Also called: Noonan's syndrome. Identifiers: Orphanet 648, MedGen C0028326, MeSH D009634, MONDO:0018997. Disease mechanism: gain of function.

Allele frequency attached by ClinVar (database versions not stated): gnomAD exomes 0.00001; gnomAD 0.00002.

Submissions (2):

Labcorp Genetics (formerly Invitae), Labcorp
Classification: Uncertain significance for Noonan syndrome. Last evaluated: 2024-08-19. Review status: criteria provided, single submitter. Criteria: Invitae Variant Classification Sherloc (09022015). Collection method: clinical testing. Allele origin: germline.
Comment: This sequence change replaces serine, which is neutral and polar, with proline, which is neutral and non-polar, at codon 163 of the RRAS protein (p.Ser163Pro). The frequency data for this variant in the population databases is considered unreliable, as metrics indicate poor data quality at this position in the gnomAD database. This variant has not been reported in the literature in individuals affected with RRAS-related conditions. ClinVar contains an entry for this variant (Variation ID: 1394417). An algorithm developed to predict the effect of missense changes on protein structure and function (PolyPhen-2) suggests that this variant is likely to be tolerated. In summary, the available evidence is currently insufficient to determine the role of this variant in disease. Therefore, it has been classified as a Variant of Uncertain Significance.

Ambry Genetics
Classification: Uncertain significance. Last evaluated: 2023-09-14. Review status: criteria provided, single submitter. Criteria: Ambry Variant Classification Scheme 2023. Collection method: clinical testing. Allele origin: germline.

NM_006270.5(RRAS):c.487T>C (p.Ser163Pro)

Gene: RRAS (RAS related; minus strand). Cytogenetic location: 19q13.33.
Variant type: single nucleotide variant.
Coding change: c.487T>C on transcript NM_006270.5 (MANE Select); coding-DNA position 487, T replaced by C.
Protein change: p.Ser163Pro; replaces serine 163 with proline.
Molecular consequence: missense variant.
Genome position (GRCh38, 1-based): chr19:49,635,819, A>G on the plus strand (T>C on the coding strand, the complement: RRAS is on the minus strand). VCF-style: chr19-49635819-A-G. GRCh37 (hg19) VCF-style: chr19-50139076-A-G.
Other names: short protein forms S163P.
Identifiers: ClinVar variation 1394417 (VCV001394417.10), dbSNP rs1446034967, ClinGen allele CA406845882.